The following is an entry in ClinVar:

NM_017780.4(CHD7):c.2147_2148delinsTT (p.Lys716Ile)

Gene: CHD7 (chromodomain helicase DNA binding protein 7; plus strand). Cytogenetic location: 8q12.2.
Variant type: Indel.
Coding change: c.2147_2148delinsTT on transcript NM_017780.4 (MANE Select); coding-DNA positions 2147 to 2148, AG replaced by TT.
Protein change: p.Lys716Ile; replaces lysine 716 with isoleucine.
Molecular consequence: missense variant. On other transcripts: intron variant (1).
Genome position (GRCh38, 1-based): chr8:60,795,036-60,795,037, AG replaced by TT. VCF-style: chr8-60795036-AG-TT. GRCh37 (hg19) VCF-style: chr8-61707595-AG-TT.
Other names: c.2147_2148delinsTT (NM_017780.3); c.1716+13986_1716+13987delinsTT (NM_001316690.1); short protein forms K716I.
Identifiers: ClinVar variation 581127 (VCV000581127.12), dbSNP rs1563606900, ClinGen allele CA891843169.

ClinVar aggregate classification (germline): Uncertain significance. Review status: criteria provided, multiple submitters, no conflicts (2 of 4 stars). 4 submissions from 4 submitters: Uncertain significance (4). Last evaluated 2026-07-27.

Conditions:
CHD7-related disorder. Also called: CHD7-related condition.
Hypogonadotropic hypogonadism 5 with or without anosmia (KAL5). Also called: HYPOGONADOTROPIC HYPOGONADISM 5 WITH ANOSMIA; HYPOGONADOTROPHIC HYPOGONADISM 5 WITHOUT ANOSMIA; CHD7-Related GnRH Deficiency (Kallmann Syndrome 5). Identifiers: Orphanet 478, MedGen C3552553, MONDO:0012880, OMIM 612370. Disease mechanism: loss of function.
CHARGE syndrome (CHARGE). Also called: Hittner Hirsch Kreh syndrome; Coloboma, heart anomaly, choanal atresia, retardation, genital and ear anomalies; CHARGE association; Hall-Hittner syndrome; CHARGE ASSOCIATION--COLOBOMA, HEART ANOMALY, CHOANAL ATRESIA, RETARDATION, GENITAL AND EAR ANOMALIES. Identifiers: Orphanet 138, MedGen C0265354, MONDO:0008965.

Submissions (4):

PreventionGenetics, part of Exact Sciences
Classification: Uncertain significance for CHD7-related condition. Last evaluated: 2026-07-27. Review status: criteria provided, single submitter. Criteria: ACMG Guidelines, 2015. Collection method: clinical testing. Allele origin: germline.
Comment: The CHD7 c.2147_2148delinsTT variant is predicted to result in an in-frame deletion and insertion. To our knowledge, this variant has not been reported in the literature or in a large population database (gnomAD), indicating this variant is rare. At this time, the clinical significance of this variant is uncertain due to the absence of conclusive functional and genetic evidence.

Labcorp Genetics (formerly Invitae), Labcorp
Classification: Uncertain significance for CHARGE syndrome. Last evaluated: 2026-01-06. Review status: criteria provided, single submitter. Criteria: Invitae Variant Classification Sherloc (09022015). Collection method: clinical testing. Allele origin: germline.
Comment: This sequence change replaces lysine, which is basic and polar, with isoleucine, which is neutral and non-polar, at codon 716 of the CHD7 protein (p.Lys716Ile). This variant is present in population databases (no rsID available, gnomAD 0.003%). This variant has not been reported in the literature in individuals affected with CHD7-related conditions. This missense change has been observed in at least one individual who was not affected with CHD7-related conditions (internal data). ClinVar contains an entry for this variant (Variation ID: 581127). An algorithm developed to predict the effect of missense changes on protein structure and function (PolyPhen-2) suggests that this variant is likely to be disruptive. In summary, the available evidence is currently insufficient to determine the role of this variant in disease. Therefore, it has been classified as a Variant of Uncertain Significance.

GeneDx
Classification: Uncertain significance. Last evaluated: 2025-07-27. Review status: criteria provided, single submitter. Criteria: GeneDx Variant Classification Process June 2021. Collection method: clinical testing. Allele origin: germline. Affected: yes.
Comment: In silico analysis supports a deleterious effect on protein structure/function; Missense variant in a gene in which most reported pathogenic variants are truncating/loss-of-function; Has not been previously published as pathogenic or benign to our knowledge

Fulgent Genetics
Classification: Uncertain significance for CHD7-related CHARGE syndrome; Hypogonadotropic hypogonadism 5 with or without anosmia. Last evaluated: 2024-02-28. Review status: criteria provided, single submitter. Criteria: ACMG Guidelines, 2015. Collection method: clinical testing. Allele origin: germline.